The following is an entry in ClinVar:

NM_032043.3(BRIP1):c.832A>G (p.Ser278Gly)

Gene: BRIP1 (BRCA1 interacting DNA helicase 1; minus strand). Cytogenetic location: 17q23.2.
Variant type: single nucleotide variant.
Coding change: c.832A>G on transcript NM_032043.3 (MANE Select); coding-DNA position 832, A replaced by G.
Protein change: p.Ser278Gly; replaces serine 278 with glycine.
Molecular consequence: missense variant.
Genome position (GRCh38, 1-based): chr17:61,808,553, T>C on the plus strand (A>G on the coding strand, the complement: BRIP1 is on the minus strand). VCF-style: chr17-61808553-T-C. GRCh37 (hg19) VCF-style: chr17-59885914-T-C.
Other names: short protein forms S278G.
Identifiers: ClinVar variation 940746 (VCV000940746.10), dbSNP rs1567837876, ClinGen allele CA400484823.

ClinVar aggregate classification (germline): Uncertain significance (1 of 4 stars; one submission).

Conditions:
Familial cancer of breast. Also called: hereditary breast carcinoma; BREAST CANCER, FAMILIAL; Hereditary breast cancer. Identifiers: Orphanet 227535, MedGen C0346153, MONDO:0016419, OMIM 114480. Disease mechanism: loss of function.
Fanconi anemia complementation group J. Also called: BRIP1-Related Fanconi Anemia. Identifiers: Orphanet 84, MedGen C1836860, MONDO:0012187, OMIM 609054.

Submission:

Labcorp Genetics (formerly Invitae), Labcorp
Classification: Uncertain significance for Familial cancer of breast; Fanconi anemia complementation group J. Last evaluated: 2023-12-22. Review status: criteria provided, single submitter. Criteria: Invitae Variant Classification Sherloc (09022015). Collection method: clinical testing. Allele origin: germline.
Comment: This sequence change replaces serine, which is neutral and polar, with glycine, which is neutral and non-polar, at codon 278 of the BRIP1 protein (p.Ser278Gly). This variant is not present in population databases (gnomAD no frequency). This variant has not been reported in the literature in individuals affected with BRIP1-related conditions. ClinVar contains an entry for this variant (Variation ID: 940746). Advanced modeling of protein sequence and biophysical properties (such as structural, functional, and spatial information, amino acid conservation, physicochemical variation, residue mobility, and thermodynamic stability) performed at Invitae indicates that this missense variant is expected to disrupt BRIP1 protein function with a positive predictive value of 80%. In summary, the available evidence is currently insufficient to determine the role of this variant in disease. Therefore, it has been classified as a Variant of Uncertain Significance.